The following is an entry in ClinVar:

NM_001379500.1(COL18A1):c.385C>G (p.Gln129Glu)

Gene: COL18A1 (collagen type XVIII alpha 1 chain; plus strand). Cytogenetic location: 21q22.3.
Variant type: single nucleotide variant.
Coding change: c.385C>G on transcript NM_001379500.1 (MANE Select); coding-DNA position 385, C replaced by G.
Protein change: p.Gln129Glu; replaces glutamine 129 with glutamic acid.
Molecular consequence: missense variant.
Genome position (GRCh38, 1-based): chr21:45,468,520, C>G. VCF-style: chr21-45468520-C-G. GRCh37 (hg19) VCF-style: chr21-46888434-C-G.
Other names: c.925C>G, p.Gln309Glu (NM_030582.4); c.1630C>G, p.Gln544Glu (NM_130444.3); short protein forms Q309E, Q129E, Q544E.
Identifiers: ClinVar variation 1386185 (VCV001386185.3), dbSNP rs1307142819, ClinGen allele CA410511931.

ClinVar aggregate classification (germline): Uncertain significance (1 of 4 stars; one submission).

Allele frequency attached by ClinVar (database versions not stated): gnomAD exomes below 0.00001 and 0.00001; gnomAD 0.00001; TOPMed 0.00001.
gnomAD v4.1: 14 of 1,613,332 alleles (0.00087%); highest among the groups gnomAD compares: Non-Finnish European, 0.0012%; no homozygotes.

Submission:

Labcorp Genetics (formerly Invitae), Labcorp
Classification: Uncertain significance. Last evaluated: 2022-09-07. Review status: criteria provided, single submitter. Criteria: Invitae Variant Classification Sherloc (09022015). Collection method: clinical testing. Allele origin: germline.
Comment: This sequence change replaces glutamine, which is neutral and polar, with glutamic acid, which is acidic and polar, at codon 129 of the COL18A1 protein (p.Gln129Glu). This variant is present in population databases (no rsID available, gnomAD 0.0009%). This variant has not been reported in the literature in individuals affected with COL18A1-related conditions. ClinVar contains an entry for this variant (Variation ID: 1386185). In summary, the available evidence is currently insufficient to determine the role of this variant in disease. Therefore, it has been classified as a Variant of Uncertain Significance.